The following is an entry in ClinVar:

NM_002500.5(NEUROD1):c.260A>G (p.Lys87Arg)

Gene: NEUROD1 (neuronal differentiation 1; minus strand). Cytogenetic location: 2q31.3.
Variant type: single nucleotide variant.
Coding change: c.260A>G on transcript NM_002500.5 (MANE Select); coding-DNA position 260, A replaced by G.
Protein change: p.Lys87Arg; replaces lysine 87 with arginine.
Molecular consequence: missense variant.
Genome position (GRCh38, 1-based): chr2:181,678,601, T>C on the plus strand (A>G on the coding strand, the complement: NEUROD1 is on the minus strand). VCF-style: chr2-181678601-T-C. GRCh37 (hg19) VCF-style: chr2-182543328-T-C.
Other names: c.260A>G (NM_002500.3); short protein forms K87R.
Identifiers: ClinVar variation 836918 (VCV000836918.13), dbSNP rs758515206, ClinGen allele CA2011155.

ClinVar aggregate classification (germline): Uncertain significance. Review status: criteria provided, multiple submitters, no conflicts (2 of 4 stars). 3 submissions from 3 submitters: Uncertain significance (3). Last evaluated 2025-01-28.

Conditions:
Type 2 diabetes mellitus. Also called: Type II diabetes mellitus. Identifiers: MedGen C0011860, MeSH D003924, MONDO:0005148, OMIM 125853, HP:0005978.
Maturity-onset diabetes of the young type 6 (MODY6). Identifiers: Orphanet 552, MedGen C1853371, MONDO:0011668, OMIM 606394.
Inborn genetic diseases. Identifiers: MedGen C0950123, MeSH D030342.

gnomAD v4.1: 5 of 1,614,170 alleles (0.00031%); highest among the groups gnomAD compares: South Asian, 0.0022%; no homozygotes.

Submissions (3):

Ambry Genetics
Classification: Uncertain significance for Inborn genetic diseases. Last evaluated: 2025-01-28. Review status: criteria provided, single submitter. Criteria: Ambry Variant Classification Scheme 2023. Collection method: clinical testing. Allele origin: germline.

Fulgent Genetics
Classification: Uncertain significance for Type 2 diabetes mellitus; Maturity-onset diabetes of the young type 6. Last evaluated: 2024-05-23. Review status: criteria provided, single submitter. Criteria: ACMG Guidelines, 2015. Collection method: clinical testing. Allele origin: germline.

Labcorp Genetics (formerly Invitae), Labcorp
Classification: Uncertain significance. Last evaluated: 2022-11-01. Review status: criteria provided, single submitter. Criteria: Invitae Variant Classification Sherloc (09022015). Collection method: clinical testing. Allele origin: germline.
Comment: In summary, the available evidence is currently insufficient to determine the role of this variant in disease. Therefore, it has been classified as a Variant of Uncertain Significance. Advanced modeling of protein sequence and biophysical properties (such as structural, functional, and spatial information, amino acid conservation, physicochemical variation, residue mobility, and thermodynamic stability) performed at Invitae indicates that this missense variant is not expected to disrupt NEUROD1 protein function. ClinVar contains an entry for this variant (Variation ID: 836918). This variant has not been reported in the literature in individuals affected with NEUROD1-related conditions. This variant is present in population databases (rs758515206, gnomAD 0.006%). This sequence change replaces lysine, which is basic and polar, with arginine, which is basic and polar, at codon 87 of the NEUROD1 protein (p.Lys87Arg).